The following is an entry in ClinVar:

NM_020964.3(EPG5):c.2413-2A>G

Gene: EPG5 (ectopic P-granules 5 autophagy tethering factor; minus strand). Cytogenetic location: 18q21.1.
Variant type: single nucleotide variant.
Coding change: c.2413-2A>G on transcript NM_020964.3 (MANE Select); the canonical splice acceptor site of the intron before coding-DNA position 2413, A replaced by G.
Molecular consequence: splice acceptor variant.
Genome position (GRCh38, 1-based): chr18:45,929,011, T>C on the plus strand (A>G on the coding strand, the complement: EPG5 is on the minus strand). VCF-style: chr18-45929011-T-C. GRCh37 (hg19) VCF-style: chr18-43508977-T-C.
Other names: NM_020964.3:c.2413-2A>G; c.2413-2A>G (NM_001410858.1, NM_001410859.1).
Identifiers: ClinVar variation 2500954 (VCV002500954.1), dbSNP rs2511909575, ClinGen allele CA402346864.

ClinVar aggregate classification (germline): Pathogenic (1 of 4 stars; one submission).

Conditions:
Vici syndrome (VICIS). Identifiers: Orphanet 1493, MedGen C1855772, MONDO:0009452, OMIM 242840.

Submission:

Broad Center for Mendelian Genomics, Broad Institute of MIT and Harvard
Classification: Pathogenic for Vici syndrome. Last evaluated: 2023-05-02. Review status: criteria provided, single submitter. Criteria: ACMG Guidelines, 2015. Collection method: curation. Allele origin: germline. Inheritance: Autosomal recessive inheritance.
Comment: Trio exome analysis revealed this variant was in trans with a likely pathogenic variant (dbSNP ID: rs769440447). The c.2413-2A>G variant in EPG5 has been previously reported in one individual with Vici syndrome (PMID: 23222957). This variant is absent in population databases. The individual previously reported (PMID: 23222957) was a compound heterozygote who carried a likely pathogenic variant in trans (dbSNP ID: rs769440447), which increases the likelihood that the c.2413-2A>G variant is pathogenic. This variant is located in the 3' splice region. Computational tools predict a splicing impact, though this information is not predictive enough to determine pathogenicity. Loss of function of the EPG5 gene is an established disease mechanism in autosomal recessive Vici syndrome. In summary, this variant meets criteria to be classified as pathogenic for autosomal recessive Vici syndrome. ACMG/AMP Criteria applied: PVS1, PM2_Supporting, PM3 (Richards 2015).